The following is an entry in ClinVar:

ClinVar aggregate classification (germline): Pathogenic/Likely pathogenic. Review status: criteria provided, multiple submitters, no conflicts (2 of 4 stars). 5 submissions from 5 submitters: Pathogenic (4); Likely pathogenic (1). Last evaluated 2025-05-08.

Conditions:
Rare genetic deafness. Identifiers: Orphanet 96210, MedGen C5680250.
Autosomal dominant nonsyndromic hearing loss 22. Also called: DFNA 22; Autosomal dominant nonsyndromic deafness 22. Identifiers: Orphanet 228012, MedGen C2931767, MONDO:0011660, OMIM 606346.
Autosomal recessive nonsyndromic hearing loss 37. Identifiers: Orphanet 90636, MedGen C1843028, MONDO:0011912, OMIM 607821.

gnomAD v4.1: 3 of 1,612,434 alleles (0.00019%); highest among the groups gnomAD compares: Non-Finnish European, 0.00025%; no homozygotes.

Submissions (5):

Labcorp Genetics (formerly Invitae), Labcorp
Classification: Pathogenic. Last evaluated: 2025-05-08. Review status: criteria provided, single submitter. Criteria: Invitae Variant Classification Sherloc (09022015). Collection method: clinical testing. Allele origin: germline.
Comment: This sequence change creates a premature translational stop signal (p.Arg947*) in the MYO6 gene. It is expected to result in an absent or disrupted protein product. Loss-of-function variants in MYO6 are known to be pathogenic (PMID: 12687499, 18348273, 23767834, 25999546, 30582396). This variant is not present in population databases (gnomAD no frequency). This premature translational stop signal has been observed in individual(s) with deafness (PMID: 32143290). ClinVar contains an entry for this variant (Variation ID: 228278). For these reasons, this variant has been classified as Pathogenic.

Victorian Clinical Genetics Services, Murdoch Childrens Research Institute
Classification: Pathogenic for Autosomal dominant nonsyndromic hearing loss 22. Last evaluated: 2024-09-23. Review status: criteria provided, single submitter. Criteria: ACMG Guidelines, 2015. Collection method: clinical testing. Allele origin: germline. Inheritance: Autosomal dominant inheritance.
Comment: Based on the classification scheme VCGS_Germline_v1.3.4, this variant is classified as Pathogenic. Following criteria are met: 0102 - Loss of function is a known mechanism of disease in this gene and is associated with deafness 22 with or without hypertrophic cardiomyopathy (MIM#606346) and deafness 37 (MIM#607821) (DECIPHER; PMID: 30582396). Dominant-negative has also been suggested as mechanisms of disease associated with missense variants in this gene (PMID: 30582396). (I) 0108 - This gene is associated with both recessive and dominant disease (OMIM). (I) 0201 - Variant is predicted to cause nonsense-mediated decay (NMD) and loss of protein (premature termination codon is located at least 54 nucleotides upstream of the final exon-exon junction). (SP) 0251 - This variant is heterozygous. (I) 0301 - Variant is absent from gnomAD (both v2 and v3). (SP) 0701 - Other null variants comparable to the one identified in this case have very strong previous evidence for pathogenicity. There are at least ten NMD-predicted variants that have been classified as likely pathogenic or pathogenic (DECIPHER). (SP) 0802 - This variant has moderate previous evidence of pathogenicity in unrelated individuals. This variant has been classified once as likely pathogenic by a clinical diagnostic laboratory (ClinVar). This variant has also been reported in one Japanese family with autosomal dominant hearing loss and classified as likely pathogenic (PMID: 32143290). (SP) Legend: (SP) - Supporting pathogenic, (I) - Information, (SB) - Supporting benign

Illumina Laboratory Services, Illumina
Classification: Pathogenic for Autosomal recessive nonsyndromic hearing loss 37. Last evaluated: 2023-08-18. Review status: criteria provided, single submitter. Criteria: ICSLVariantClassificationCriteria RUGD 01 April 2020. Collection method: clinical testing. Allele origin: unknown.
Comment: The MYO6 c.2839C>T (p.Arg947Ter) nonsense variant results in the loss of normal protein function through either protein truncation or nonsense-mediated mRNA decay. This variant has not, to our knowledge, been reported in the peer-reviewed literature. This variant is not observed in version 2.1.1 or version 3.1.2 of the Genome Aggregation Database. This variant was identified in a homozygous state. Based on the available evidence, the c.2839C>T (p.Arg947Ter) variant is classified as pathogenic for nonsyndromic hearing loss.

Laboratory for Molecular Medicine, Mass General Brigham Personalized Medicine
Classification: Likely pathogenic for Rare genetic deafness. Last evaluated: 2022-06-30. Review status: criteria provided, single submitter. Criteria: ACMG Guidelines, 2015. Collection method: clinical testing. Allele origin: germline.
Comment: This nonsense variant leads to a premature termination codon at position 947, which is predicted to lead to a truncated or absent protein. Truncating or loss-of-function variants in the MYO6 gene have been associated with autosomal recessive hearing loss as well as autosomal dominant hearing loss. In summary, although additional studies are required to fully establish its clinical significance, the p.Arg947X variant is likely pathogenic. ACMG/AMP Criteria applied: PVS1, PM2_P.

Precision Medicine Center, Zhengzhou University
Classification: Pathogenic for Autosomal dominant nonsyndromic hearing loss 22. Last evaluated: 2006-06-30. Review status: criteria provided, single submitter. Criteria: ClinGen HL ACMG Specifications v1. Collection method: clinical testing. Allele origin: maternal. Affected: yes.
Comment: PVS1+PM2+PS4_supporting: The MYO6 c.2839C>T variant is a nonsense variant predicted to introduce a premature termination codon, leading to truncation of the MYO6 protein or nonsense-mediated mRNA decay. Loss of function is an established disease mechanism for MYO6-related hearing loss; therefore, this variant meets the PVS1 criterion. This variant is absent or extremely rare in population databases, including gnomAD, supporting its rarity in the general population (PM2). In addition, the variant has been identified in multiple unrelated individuals with MYO6-related hearing loss, providing supporting evidence for case enrichment compared with controls (PMID: 32143290) (PS4_Supporting). Based on ACMG/AMP guidelines, this variant meets the criteria PVS1, PM2, and PS4_Supporting, and is therefore classified as Pathogenic.

Literature cited by the submitters: PubMed 12687499 (cited by Labcorp Genetics (formerly Invitae), Labcorp); PubMed 18348273 (cited by Labcorp Genetics (formerly Invitae), Labcorp); PubMed 23767834 (cited by Labcorp Genetics (formerly Invitae), Labcorp); PubMed 25999546 (cited by Labcorp Genetics (formerly Invitae), Labcorp); PubMed 30582396 (cited by Labcorp Genetics (formerly Invitae), Labcorp and Victorian Clinical Genetics Services, Murdoch Childrens Research Institute); PubMed 32143290 (cited by 3 submitters); PubMed 30192042 (cited by Precision Medicine Center, Zhengzhou University).

NM_004999.4(MYO6):c.2839C>T (p.Arg947Ter)

Gene: MYO6 (myosin VI; plus strand). Cytogenetic location: 6q14.1.
Variant type: single nucleotide variant.
Coding change: c.2839C>T on transcript NM_004999.4 (MANE Select); coding-DNA position 2839, C replaced by T.
Protein change: p.Arg947Ter; replaces arginine 947 with a stop codon.
Molecular consequence: nonsense. On other transcripts: non-coding transcript variant (1).
Genome position (GRCh38, 1-based): chr6:75,890,237, C>T. VCF-style: chr6-75890237-C-T. GRCh37 (hg19) VCF-style: chr6-76599954-C-T.
Other names: c.2839C>T, p.Arg947Ter (NM_001300899.2, NM_001368136.1, NM_001368137.1 and 2 more transcripts); c.2824C>T, p.Arg942Ter (NM_001368138.1); short protein forms R947*, R942*.
Identifiers: ClinVar variation 228278 (VCV000228278.9), dbSNP rs876657653, ClinGen allele CA10576708.